The following is an entry in ClinVar:

NM_006514.4(SCN10A):c.91A>G (p.Lys31Glu)

Gene: SCN10A (sodium voltage-gated channel alpha subunit 10; minus strand). Cytogenetic location: 3p22.2.
Variant type: single nucleotide variant.
Coding change: c.91A>G on transcript NM_006514.4 (MANE Select); coding-DNA position 91, A replaced by G.
Protein change: p.Lys31Glu; replaces lysine 31 with glutamic acid.
Molecular consequence: missense variant.
Genome position (GRCh38, 1-based): chr3:38,793,920, T>C on the plus strand (A>G on the coding strand, the complement: SCN10A is on the minus strand). VCF-style: chr3-38793920-T-C. GRCh37 (hg19) VCF-style: chr3-38835411-T-C.
Other names: c.91A>G, p.Lys31Glu (NM_001293306.2, NM_001293307.2); short protein forms K31E.
Identifiers: ClinVar variation 2094451 (VCV002094451.4), dbSNP rs2470901730, ClinGen allele CA352163215.

ClinVar aggregate classification (germline): Uncertain significance (1 of 4 stars; one submission).

Conditions:
Brugada syndrome. Also called: Sudden Unexplained Death Syndrome; Sudden Unexplained Nocturnal Death Syndrome (SUNDS); Sudden unexplained nocturnal death syndrome; Sudden unexpected nocturnal death syndrome. Identifiers: Orphanet 130, MedGen C1142166, MONDO:0015263.

Allele frequency attached by ClinVar (database versions not stated): gnomAD exomes below 0.00001.
gnomAD v4.1: 2 of 1,614,110 alleles (0.00012%); highest among the groups gnomAD compares: Non-Finnish European, 0.00017%; no homozygotes.

Submission:

Labcorp Genetics (formerly Invitae), Labcorp
Classification: Uncertain significance for Brugada syndrome. Last evaluated: 2022-02-07. Review status: criteria provided, single submitter. Criteria: Invitae Variant Classification Sherloc (09022015). Collection method: clinical testing. Allele origin: germline.
Comment: Advanced modeling of protein sequence and biophysical properties (such as structural, functional, and spatial information, amino acid conservation, physicochemical variation, residue mobility, and thermodynamic stability) performed at Invitae indicates that this missense variant is not expected to disrupt SCN10A protein function. This variant has not been reported in the literature in individuals affected with SCN10A-related conditions. This variant is not present in population databases (gnomAD no frequency). This sequence change replaces lysine, which is basic and polar, with glutamic acid, which is acidic and polar, at codon 31 of the SCN10A protein (p.Lys31Glu). In summary, the available evidence is currently insufficient to determine the role of this variant in disease. Therefore, it has been classified as a Variant of Uncertain Significance.